The following is an entry in ClinVar:

NM_000206.3(IL2RG):c.467C>T (p.Ala156Val)

Gene: IL2RG (interleukin 2 receptor subunit gamma; minus strand). Cytogenetic location: Xq13.1.
Variant type: single nucleotide variant.
Coding change: c.467C>T on transcript NM_000206.3 (MANE Select); coding-DNA position 467, C replaced by T.
Protein change: p.Ala156Val; replaces alanine 156 with valine.
Molecular consequence: missense variant.
Genome position (GRCh38, 1-based): chrX:71,110,283, G>A on the plus strand (C>T on the coding strand, the complement: IL2RG is on the minus strand). VCF-style: chrX-71110283-G-A. GRCh37 (hg19) VCF-style: chrX-70330133-G-A.
Other names: short protein forms A156V.
Identifiers: ClinVar variation 381532 (VCV000381532.11), dbSNP rs1057521062, ClinGen allele CA16608907.

ClinVar aggregate classification (germline): Likely pathogenic. Review status: criteria provided, multiple submitters, no conflicts (2 of 4 stars). 2 submissions from 2 submitters: Likely pathogenic (2). Last evaluated 2019-11-13.

Conditions:
X-linked severe combined immunodeficiency (SCIDX1). Also called: X-Linked Combined Immunodeficiency Diseases; SCID, X-LINKED; SEVERE COMBINED IMMUNODEFICIENCY, X-LINKED, T CELL-NEGATIVE, B CELL-POSITIVE, NK CELL-NEGATIVE; T-B+ severe combined immunodeficiency due to gamma chain deficiency; IMMUNODEFICIENCY 4. Identifiers: Orphanet 276, MedGen C6022468, MONDO:0010315, OMIM 300400. Disease mechanism: loss of function.

Submissions (2):

Labcorp Genetics (formerly Invitae), Labcorp
Classification: Likely pathogenic for X-linked severe combined immunodeficiency. Last evaluated: 2019-11-13. Review status: criteria provided, single submitter. Criteria: Invitae Variant Classification Sherloc (09022015). Collection method: clinical testing. Allele origin: germline.
Comment: This sequence change replaces alanine with valine at codon 156 of the IL2RG protein (p.Ala156Val). The alanine residue is moderately conserved and there is a small physicochemical difference between alanine and valine. This variant is not present in population databases (ExAC no frequency). This variant has been observed in individual(s) affected with X-linked severe combined immunodeficiency (PMID: 9885222, 8027558, Invitae). ClinVar contains an entry for this variant (Variation ID: 381532). This variant has been reported to affect IL2RG protein function (PMID: 9885222, 8027558). In summary, the currently available evidence indicates that the variant is pathogenic, but additional data are needed to prove that conclusively. Therefore, this variant has been classified as Likely Pathogenic.

GeneDx
Classification: Likely pathogenic. Last evaluated: 2017-06-13. Review status: criteria provided, single submitter. Criteria: GeneDx Variant Classification (06012015). Collection method: clinical testing. Allele origin: germline. Affected: yes.
Comment: The A156V variant has been published previously in association with X-linked SCID in a single patient (Ishii et al., 1994; Kumaki et al., 1999). The variant was not observed in approximately 6,500 individuals of European and African American ancestry in the NHLBI Exome Sequencing Project, indicating it is not a common benign variant in these populations. A156V is a conservative amino acid substitution, which is not likely to impact secondary protein structure as these residues share similar properties. This substitution occurs at a position that is not conserved; however, in silico analysis predicts this variant is probably damaging to the protein structure/function. Additionally, functional studies have shown that A156V has a detrimental effect on IL2RG protein localization and function (Ishii et al., 1994; Kumaki et al., 1999). Therefore, this variant is likely pathogenic.

Literature cited by the submitters: PubMed 9885222 (cited by Labcorp Genetics (formerly Invitae), Labcorp); PubMed 8027558 (cited by Labcorp Genetics (formerly Invitae), Labcorp).